The following is an entry in ClinVar:

NM_000834.5(GRIN2B):c.3047G>C (p.Arg1016Thr)

Gene: GRIN2B (glutamate ionotropic receptor NMDA type subunit 2B; minus strand). Cytogenetic location: 12p13.1.
Variant type: single nucleotide variant.
Coding change: c.3047G>C on transcript NM_000834.5 (MANE Select); coding-DNA position 3047, G replaced by C.
Protein change: p.Arg1016Thr; replaces arginine 1016 with threonine.
Molecular consequence: missense variant.
Genome position (GRCh38, 1-based): chr12:13,564,191, C>G on the plus strand (G>C on the coding strand, the complement: GRIN2B is on the minus strand). VCF-style: chr12-13564191-C-G. GRCh37 (hg19) VCF-style: chr12-13717125-C-G.
Other names: c.3047G>C, p.Arg1016Thr (NM_001413992.1); short protein forms R1016T.
Identifiers: ClinVar variation 2951628 (VCV002951628.3), dbSNP rs141109968, ClinGen allele CA383992358.

ClinVar aggregate classification (germline): Uncertain significance (1 of 4 stars; one submission).

Conditions:
Intellectual developmental disorder, autosomal dominant 6, with or without seizures. Also called: GRIN2B-related developmental delay, intellectual disability and autism spectrum disorder; Intellectual disability, autosomal dominant 6. Identifiers: Orphanet 589547, MedGen C3151411, MONDO:0013509, OMIM 613970.
Developmental and epileptic encephalopathy, 27 (DEE27). Also called: Epileptic encephalopathy, early infantile, 27; GRIN2B-Related Neurodevelopmental Disorder. Identifiers: Orphanet 3451, MedGen C4015316, MONDO:0014505, OMIM 616139.

Submission:

Labcorp Genetics (formerly Invitae), Labcorp
Classification: Uncertain significance for Developmental and epileptic encephalopathy, 27; Intellectual developmental disorder, autosomal dominant 6, with or without seizures. Last evaluated: 2023-09-05. Review status: criteria provided, single submitter. Criteria: Invitae Variant Classification Sherloc (09022015). Collection method: clinical testing. Allele origin: germline.
Comment: In summary, the available evidence is currently insufficient to determine the role of this variant in disease. Therefore, it has been classified as a Variant of Uncertain Significance. Advanced modeling of protein sequence and biophysical properties (such as structural, functional, and spatial information, amino acid conservation, physicochemical variation, residue mobility, and thermodynamic stability) performed at Invitae indicates that this missense variant is not expected to disrupt GRIN2B protein function. This variant has not been reported in the literature in individuals affected with GRIN2B-related conditions. This variant is not present in population databases (gnomAD no frequency). This sequence change replaces arginine, which is basic and polar, with threonine, which is neutral and polar, at codon 1016 of the GRIN2B protein (p.Arg1016Thr).